The following is an entry in ClinVar:

NM_002474.3(MYH11):c.3509C>G (p.Ala1170Gly)

Gene: MYH11 (myosin heavy chain 11; minus strand). Cytogenetic location: 16p13.11.
Variant type: single nucleotide variant.
Coding change: c.3509C>G on transcript NM_002474.3 (MANE Select); coding-DNA position 3509, C replaced by G.
Protein change: p.Ala1170Gly; replaces alanine 1170 with glycine.
Molecular consequence: missense variant.
Genome position (GRCh38, 1-based): chr16:15,732,706, G>C on the plus strand (C>G on the coding strand, the complement: MYH11 is on the minus strand). VCF-style: chr16-15732706-G-C. GRCh37 (hg19) VCF-style: chr16-15826563-G-C.
Other names: c.3530C>G, p.Ala1177Gly (NM_001040113.2, NM_001040114.2); c.3509C>G, p.Ala1170Gly (NM_022844.3); short protein forms A1170G, A1177G.
Identifiers: ClinVar variation 4738061 (VCV004738061.1).

ClinVar aggregate classification (germline): Uncertain significance (1 of 4 stars; one submission).

Conditions:
Aortic aneurysm, familial thoracic 4 (AAT4). Also called: AORTIC ANEURYSM/AORTIC DISSECTION AND PATENT DUCTUS ARTERIOSUS. Identifiers: MedGen C1851504, MONDO:0007568, OMIM 132900.

Submission:

Labcorp Genetics (formerly Invitae), Labcorp
Classification: Uncertain significance for Aortic aneurysm, familial thoracic 4. Last evaluated: 2025-08-12. Review status: criteria provided, single submitter. Criteria: Invitae Variant Classification Sherloc (09022015). Collection method: clinical testing. Allele origin: germline.
Comment: This sequence change replaces alanine, which is neutral and non-polar, with glycine, which is neutral and non-polar, at codon 1177 of the MYH11 protein (p.Ala1177Gly). This variant is not present in population databases (gnomAD no frequency). This variant has not been reported in the literature in individuals affected with MYH11-related conditions. An algorithm developed to predict the effect of missense changes on protein structure and function (PolyPhen-2) suggests that this variant is likely to be disruptive. In summary, the available evidence is currently insufficient to determine the role of this variant in disease. Therefore, it has been classified as a Variant of Uncertain Significance.